The following is an entry in ClinVar:

NM_152443.3(RDH12):c.146C>A (p.Thr49Lys)

Genes: GPHN (gephyrin; plus strand), RDH12 (retinol dehydrogenase 12; plus strand). Cytogenetic location: 14q24.1.
Variant type: single nucleotide variant.
Coding change: c.146C>A on transcript NM_152443.3 (MANE Select); coding-DNA position 146, C replaced by A.
Protein change: p.Thr49Lys; replaces threonine 49 with lysine.
Molecular consequence: missense variant.
Genome position (GRCh38, 1-based): chr14:67,724,550, C>A. VCF-style: chr14-67724550-C-A. GRCh37 (hg19) VCF-style: chr14-68191267-C-A.
Other names: c.146C>A (NM_152443.2); short protein forms T49K.
Identifiers: ClinVar variation 1037561 (VCV001037561.13), dbSNP rs28940314, ClinGen allele CA7238613.
Genomic context (GRCh38, chr14:67,724,550, plus strand): 5'-GAGTGTGTAGAACAAATGTGCAGCTTCCTGGCAAGGTAGTGGTGATCACTGGCGCCAACA[C>A]GGGCATTGGCAAGGAGACGGCCAGAGAGCTCGCTAGCCGAGGTAAGTGTTTCCCCTTTAG-3'
Protein context (NP_689656.2, residues 39-59): GKVVVITGAN[Thr49Lys]GIGKETAREL

ClinVar aggregate classification (germline): Pathogenic/Likely pathogenic. Review status: criteria provided, multiple submitters, no conflicts (2 of 4 stars). 6 submissions from 6 submitters: Pathogenic (3); Likely pathogenic (3). Last evaluated 2025-12-16.

Conditions:
Leber congenital amaurosis 13 (LCA13). Identifiers: MedGen C2675186, MONDO:0012990, OMIM 612712.
RDH12-related disorder. Also called: RDH12-related condition; RDH12-related disorders.
Cone-rod dystrophy. Also called: Cone/cone-rod dystrophy; Cone-rod degeneration. Identifiers: Orphanet 1872, MedGen C4085590, MONDO:0015993, HP:0000548.
Leber congenital amaurosis (LCA). Also called: Leber's amaurosis. Identifiers: Orphanet 65, MedGen C0339527, MeSH D057130, MONDO:0018998.

gnomAD v4.1: 3 of 1,613,978 alleles (0.00019%); highest among the groups gnomAD compares: Admixed American, 0.0017%; no homozygotes.

Submissions (6):

Research Institute for Ophthalmology and Vision Science, Shahid Beheshti University of Medical Sciences
Classification: Pathogenic for Cone-rod dystrophy. Last evaluated: 2025-12-16. Review status: criteria provided, single submitter. Criteria: ACMG Guidelines, 2015. Collection method: research. Allele origin: inherited. Inheritance: Autosomal recessive inheritance. Affected: yes.
Comment: NM_152443.3(RDH12):c.146C>A (p.Thr49Lys) has an extremely low frequency in gnomAD databases. Different amino acid changes at this residue are known to be pathogenic variants. Computational prediction tools identified it as deleterious. RDH12 also exhibits a low rate of benign missense mutations. The variant has been reported as pathogenic in ClinVar by other submitters.

Natera, Inc.
Classification: Likely pathogenic for Leber congenital amaurosis. Last evaluated: 2025-09-18. Review status: criteria provided, single submitter. Criteria: Natera Variant Classification Schema (03/2026). Collection method: clinical testing. Allele origin: germline.
Comment: The c.146C>A variant in RDH12 is a missense variant predicted to cause substitution of threonine to lysine at amino acid 49. This variant is rare in the general population with a frequency below the threshold expected for the associated phenotype(s). This variant has been observed in one or more individuals affected with the associated recessive disease, as either homozygous or compound heterozygous with a second variant (PMID: 30979730, 27596865, 38219857, 22065924). A different variant at the same position has been determined to be Pathogenic or Likely Pathogenic. Computational prediction algorithms indicate this variant is likely to affect gene or protein function. Given the available evidence, this variant is classified as Likely Pathogenic.

Labcorp Genetics (formerly Invitae), Labcorp
Classification: Pathogenic for Leber congenital amaurosis 13. Last evaluated: 2024-07-30. Review status: criteria provided, single submitter. Criteria: Invitae Variant Classification Sherloc (09022015). Collection method: clinical testing. Allele origin: germline.
Comment: This sequence change replaces threonine, which is neutral and polar, with lysine, which is basic and polar, at codon 49 of the RDH12 protein (p.Thr49Lys). This variant is present in population databases (rs28940314, gnomAD 0.003%). This missense change has been observed in individuals with autosomal recessive RDH12-related conditions (PMID: 22065924, 30979730; Invitae). ClinVar contains an entry for this variant (Variation ID: 1037561). Advanced modeling of protein sequence and biophysical properties (such as structural, functional, and spatial information, amino acid conservation, physicochemical variation, residue mobility, and thermodynamic stability) performed at Invitae indicates that this missense variant is not expected to disrupt RDH12 protein function with a negative predictive value of 80%. This variant disrupts the p.Thr49 amino acid residue in RDH12. Other variant(s) that disrupt this residue have been determined to be pathogenic (PMID: 15258582, 20006610, 24474277). This suggests that this residue is clinically significant, and that variants that disrupt this residue are likely to be disease-causing. For these reasons, this variant has been classified as Pathogenic.

Baylor Genetics
Classification: Pathogenic for Leber congenital amaurosis 13. Last evaluated: 2023-11-18. Review status: criteria provided, single submitter. Criteria: ACMG Guidelines, 2015. Collection method: clinical testing. Allele origin: unknown.

3billion
Classification: Likely pathogenic for Leber congenital amaurosis 13. Last evaluated: 2022-01-03. Review status: criteria provided, single submitter. Criteria: ACMG Guidelines, 2015. Collection method: clinical testing. Allele origin: germline. Affected: yes. Observed: 1 homozygote.
Comment: Same nucleotide change resulting in same amino acid change has been previously reported to be associated with RDH12 related disorder (PMID:22065924, PS1_P). The variant is located in a well-established functional domain or exonic hotspot, where pathogenic variants have frequently reported (PM1_M). A different missense change at the same codon has been reported as pathogenic/likely pathogenic with strong evidence (ClinVar ID: VCV000002049, PMID:15258582, PM5_M). In silico tool predictions suggest damaging effect of the variant on gene or gene product (REVEL: 0.777, 3CNET: 0.986, PP3_P). A missense variant is a common mechanism associated with Leber congenital amaurosis 13 (PP2_P). It is observed at an extremely low frequency in the gnomAD v2.1.1 dataset (total allele frequency: 0.000008, PM2_M). Therefore, this variant is classified as likely pathogenic according to the recommendation of ACMG/AMP guideline.

Blueprint Genetics
Classification: Likely pathogenic for RDH12-related disorders. Last evaluated: 2021-05-03. Review status: criteria provided, single submitter. Criteria: ACMG Guidelines, 2015. Collection method: clinical testing. Allele origin: germline. Affected: yes. Observed: 1 variant allele.

Literature cited by the submitters: PubMed 22065924 (cited by 4 submitters); PubMed 30979730 (cited by Natera, Inc. and Labcorp Genetics (formerly Invitae), Labcorp); PubMed 27596865 (cited by Natera, Inc.); PubMed 38219857 (cited by Natera, Inc.); PubMed 15258582 (cited by Labcorp Genetics (formerly Invitae), Labcorp and 3billion); PubMed 20006610 (cited by Labcorp Genetics (formerly Invitae), Labcorp); PubMed 24474277 (cited by Labcorp Genetics (formerly Invitae), Labcorp).